The following is an entry in ClinVar:

ClinVar aggregate classification (germline): Uncertain significance (1 of 4 stars; one submission).

Submission:

GeneDx
Classification: Uncertain significance. Last evaluated: 2020-02-01. Review status: criteria provided, single submitter. Criteria: GeneDx Variant Classification Process June 2021. Collection method: clinical testing. Allele origin: germline. Affected: yes.
Comment: Not observed in large population cohorts (Lek et al., 2016); In silico analysis supports that this missense variant has a deleterious effect on protein structure/function; Has not been previously published as pathogenic or benign to our knowledge; Variants in candidate genes are classified as variants of uncertain significance in accordance with ACMG guidelines (Richards et al., 2015)

NM_000827.4(GRIA1):c.2021G>C (p.Arg674Thr)

Gene: GRIA1 (glutamate ionotropic receptor AMPA type subunit 1; plus strand). Cytogenetic location: 5q33.2.
Variant type: single nucleotide variant.
Coding change: c.2021G>C on transcript NM_000827.4 (MANE Select); coding-DNA position 2021, G replaced by C.
Protein change: p.Arg674Thr; replaces arginine 674 with threonine.
Molecular consequence: missense variant. On other transcripts: non-coding transcript variant (2).
Genome position (GRCh38, 1-based): chr5:153,764,631, G>C. VCF-style: chr5-153764631-G-C. GRCh37 (hg19) VCF-style: chr5-153144191-G-C.
Other names: c.2021G>C, p.Arg674Thr (NM_001114183.2); c.1781G>C, p.Arg594Thr (NM_001258019.2); c.1736G>C, p.Arg579Thr (NM_001258020.2); c.2051G>C, p.Arg684Thr (NM_001258021.2, NM_001258022.2); c.1814G>C, p.Arg605Thr (NM_001258023.1, NM_001364167.2); c.1853G>C, p.Arg618Thr (NM_001364165.2); c.2048G>C, p.Arg683Thr (NM_001364166.2); short protein forms R579T, R594T, R605T, R618T, R674T, R683T, R684T.
Identifiers: ClinVar variation 1313819 (VCV001313819.2), dbSNP rs1176067087, ClinGen allele CA362002361.